The following is an entry in ClinVar:

ClinVar aggregate classification (germline): Uncertain significance (1 of 4 stars; one submission).

Conditions:
CHARGE syndrome (CHARGE). Also called: Coloboma, heart anomaly, choanal atresia, retardation, genital and ear anomalies; CHARGE association; Hall-Hittner syndrome; Hittner Hirsch Kreh syndrome; CHARGE ASSOCIATION--COLOBOMA, HEART ANOMALY, CHOANAL ATRESIA, RETARDATION, GENITAL AND EAR ANOMALIES. Identifiers: Orphanet 138, MedGen C0265354, MONDO:0008965.

Submission:

Labcorp Genetics (formerly Invitae), Labcorp
Classification: Uncertain significance for CHARGE syndrome. Last evaluated: 2024-02-17. Review status: criteria provided, single submitter. Criteria: Invitae Variant Classification Sherloc (09022015). Collection method: clinical testing. Allele origin: germline.
Comment: This sequence change replaces asparagine, which is neutral and polar, with lysine, which is basic and polar, at codon 1042 of the CHD7 protein (p.Asn1042Lys). This variant is not present in population databases (gnomAD no frequency). This variant has not been reported in the literature in individuals affected with CHD7-related conditions. ClinVar contains an entry for this variant (Variation ID: 1499260). Advanced modeling of protein sequence and biophysical properties (such as structural, functional, and spatial information, amino acid conservation, physicochemical variation, residue mobility, and thermodynamic stability) performed at Invitae indicates that this missense variant is expected to disrupt CHD7 protein function with a positive predictive value of 95%. In summary, the available evidence is currently insufficient to determine the role of this variant in disease. Therefore, it has been classified as a Variant of Uncertain Significance.

NM_017780.4(CHD7):c.3126C>A (p.Asn1042Lys)

Gene: CHD7 (chromodomain helicase DNA binding protein 7; plus strand). Cytogenetic location: 8q12.2.
Variant type: single nucleotide variant.
Coding change: c.3126C>A on transcript NM_017780.4 (MANE Select); coding-DNA position 3126, C replaced by A.
Protein change: p.Asn1042Lys; replaces asparagine 1042 with lysine.
Molecular consequence: missense variant. On other transcripts: intron variant (1).
Genome position (GRCh38, 1-based): chr8:60,822,671, C>A. VCF-style: chr8-60822671-C-A. GRCh37 (hg19) VCF-style: chr8-61735230-C-A.
Other names: c.1717-39558C>A (NM_001316690.1); short protein forms N1042K.
Identifiers: ClinVar variation 1499260 (VCV001499260.8), dbSNP rs568551629, ClinGen allele CA371310129.
Genomic context (GRCh38, chr8:60,822,671, plus strand): 5'-TGCCCCATTGTCCACAATCCCCAACTGGGAAAGGGAATTCCGAACCTGGACAGAGTTGAA[C>A]GTGGTTGTGTATCATGGGAGTCAAGCTAGTCGTCGGACCATTCAGTTGTATGAAATGTAC-3'
Protein context (NP_060250.2, residues 1032-1052): EREFRTWTEL[Asn1042Lys]VVVYHGSQAS